The following is an entry in ClinVar:

ClinVar aggregate classification (germline): Pathogenic (1 of 4 stars; one submission).

Conditions:
Meckel-Gruber syndrome. Also called: GRUBER SYNDROME; DYSENCEPHALIA SPLANCHNOCYSTICA; Dysencephalia splachnocystica. Identifiers: Orphanet 564, MedGen C0265215, MONDO:0018921.
Joubert syndrome. Also called: Familial aplasia of the vermis; JOUBERT-BOLTSHAUSER SYNDROME; CEREBELLOPARENCHYMAL DISORDER IV. Identifiers: Orphanet 475, MedGen C5979921, MONDO:0018772.

Submission:

Labcorp Genetics (formerly Invitae), Labcorp
Classification: Pathogenic for Joubert syndrome; Meckel-Gruber syndrome. Last evaluated: 2026-01-24. Review status: criteria provided, single submitter. Criteria: Invitae Variant Classification Sherloc (09022015). Collection method: clinical testing. Allele origin: germline.
Comment: This sequence change creates a premature translational stop signal (p.Asp430Alafs*8) in the TMEM67 gene. It is expected to result in an absent or disrupted protein product. Loss-of-function variants in TMEM67 are known to be pathogenic (PMID: 20232449, 23559409). This variant is not present in population databases (gnomAD no frequency). This variant has not been reported in the literature in individuals affected with TMEM67-related conditions. Algorithms developed to predict the effect of sequence changes on RNA splicing suggest that this variant may disrupt the consensus splice site. For these reasons, this variant has been classified as Pathogenic.

Literature cited by the submitters: PubMed 20232449; PubMed 23559409.

NC_000008.11:g.93786223_93786226del

Gene: TMEM67 (transmembrane protein 67; plus strand). Cytogenetic location: 8q22.1.
Variant type: Deletion.
Genome position: GRCh38 VCF-style: chr8-93786220-AAGAC-A. GRCh37 (hg19) VCF-style: chr8-94798448-AAGAC-A.
Identifiers: ClinVar variation 4790479 (VCV004790479.1).
Genomic context (GRCh38, chr8:93,786,220, plus strand): 5'-TCTAAAACAATAATTTCATGTTTTAAATTTGTGCAGTAAACTTTTTTCTTTTTATAATAA[AAGAC>A]AGCAACTCTGGAAAGTGGCTTCTAACTCGGCGCATTTTCTTAGTGGATGCAGTAAGTGGA-3'